The following is an entry in ClinVar:

ClinVar aggregate classification (germline): Pathogenic (1 of 4 stars; one submission).

Conditions:
Ellis-van Creveld syndrome (EVC). Also called: MESOECTODERMAL DYSPLASIA; Chondroectodermal dysplasia. Identifiers: Orphanet 289, MedGen C0013903, MONDO:0009162, OMIM 225500.

Submission:

Myriad Genetics, Inc.
Classification: Pathogenic for Ellis-van Creveld syndrome. Last evaluated: 2024-05-21. Review status: criteria provided, single submitter. Criteria: Myriad Autosomal Dominant, Autosomal Recessive and X-Linked Classification Criteria (2023). Collection method: clinical testing. Allele origin: unknown.
Comment: NM_153717.2(EVC):c.1621C>T(Q541*) is expected to be pathogenic in the context of EVC-related Ellis-van Creveld syndrome. This variant is predicted to lead to an abnormal or absent protein product due to the creation of a premature termination codon in EVC, a gene where loss-of-function variants are known to be pathogenic. Please note: this variant was assessed in the context of healthy population screening.

NM_153717.3(EVC):c.1621C>T (p.Gln541Ter)

Gene: EVC (EvC ciliary complex subunit 1; plus strand). Cytogenetic location: 4p16.2.
Variant type: single nucleotide variant.
Coding change: c.1621C>T on transcript NM_153717.3 (MANE Select); coding-DNA position 1621, C replaced by T.
Protein change: p.Gln541Ter; replaces glutamine 541 with a stop codon.
Molecular consequence: nonsense.
Genome position (GRCh38, 1-based): chr4:5,783,609, C>T. VCF-style: chr4-5783609-C-T. GRCh37 (hg19) VCF-style: chr4-5785336-C-T.
Other names: c.1621C>T, p.Gln541Ter (NM_001306090.2); short protein forms Q541*.
Identifiers: ClinVar variation 5013079 (VCV005013079.1).
Genomic context (GRCh38, chr4:5,783,609, plus strand): 5'-CAGGAGCTGTACTTCAGCACCGTGGACACTTTCCAGAAGTTCGTGGATGCCCTGTTCCTT[C>T]AGACGCTCCCTGGCATGACTGGCCTCCCCCCGGAAGAGTGTGACTACTTGAGGCAGGAAG-3'